The following is an entry in ClinVar:

ClinVar aggregate classification (germline): Pathogenic (1 of 4 stars; one submission).

Conditions:
Rubinstein-Taybi syndrome (RSTS). Identifiers: Orphanet 783, MedGen C0035934, MONDO:0019188.

Submission:

Labcorp Genetics (formerly Invitae), Labcorp
Classification: Pathogenic for Rubinstein-Taybi syndrome. Last evaluated: 2020-05-11. Review status: criteria provided, single submitter. Criteria: Invitae Variant Classification Sherloc (09022015). Collection method: clinical testing. Allele origin: germline.
Comment: This variant has not been reported in the literature in individuals with CREBBP-related conditions. For these reasons, this variant has been classified as Pathogenic. Loss-of-function variants in CREBBP are known to be pathogenic (PMID: 17052327, 18792986). This variant is not present in population databases (ExAC no frequency). This sequence change creates a premature translational stop signal (p.Pro859Serfs*111) in the CREBBP gene. It is expected to result in an absent or disrupted protein product.

Literature cited by the submitters: PubMed 17052327 (cited by Labcorp Genetics (formerly Invitae), Labcorp); PubMed 18792986 (cited by Labcorp Genetics (formerly Invitae), Labcorp).

NM_004380.3(CREBBP):c.2574dup (p.Pro859fs)

Gene: CREBBP (CREB binding lysine acetyltransferase; minus strand). Cytogenetic location: 16p13.3.
Variant type: Duplication.
Coding change: c.2574dup on transcript NM_004380.3 (MANE Select); coding-DNA position 2574, one base duplicated (T; older notation c.2574dupT).
Protein change: p.Pro859fs; shifts the reading frame from proline 859.
Molecular consequence: frameshift variant.
Genome position (GRCh38, 1-based): chr16:3,770,876, A duplicated on the plus strand (T on the coding strand, the reverse complement: CREBBP is on the minus strand). VCF-style (leftmost placement, unchanged base first): chr16-3770875-G-GA. GRCh37 (hg19) VCF-style: chr16-3820876-G-GA.
Other names: c.2460dup, p.Pro821fs (NM_001079846.1); short protein forms P821fs, P859fs.
Identifiers: ClinVar variation 1068836 (VCV001068836.9), dbSNP rs2141203402, ClinGen allele CA1139770976.